The following is an entry in ClinVar:

NM_017934.7(PHIP):c.2740A>G (p.Lys914Glu)

Gene: PHIP (pleckstrin homology domain interacting protein; minus strand). Cytogenetic location: 6q14.1.
Variant type: single nucleotide variant.
Coding change: c.2740A>G on transcript NM_017934.7 (MANE Select); coding-DNA position 2740, A replaced by G.
Protein change: p.Lys914Glu; replaces lysine 914 with glutamic acid.
Molecular consequence: missense variant.
Genome position (GRCh38, 1-based): chr6:78,982,915, T>C on the plus strand (A>G on the coding strand, the complement: PHIP is on the minus strand). VCF-style: chr6-78982915-T-C. GRCh37 (hg19) VCF-style: chr6-79692632-T-C.
Other names: short protein forms K914E.
Identifiers: ClinVar variation 3340663 (VCV003340663.1).

ClinVar aggregate classification (germline): Uncertain significance (1 of 4 stars; one submission).

Submission:

GeneDx
Classification: Uncertain significance. Last evaluated: 2024-02-18. Review status: criteria provided, single submitter. Criteria: GeneDx Variant Classification Process June 2021. Collection method: clinical testing. Allele origin: germline. Affected: yes.
Comment: Not observed at significant frequency in large population cohorts (gnomAD); In silico analysis supports that this missense variant does not alter protein structure/function; Has not been previously published as pathogenic or benign to our knowledge